The following is an entry in ClinVar:

ClinVar aggregate classification (germline): Uncertain significance (1 of 4 stars; one submission).

Conditions:
Combined malonic and methylmalonic acidemia. Identifiers: Orphanet 289504, MedGen C3280314, MONDO:0013661, OMIM 614265.

Allele frequency attached by ClinVar (database versions not stated): gnomAD exomes 0.00001.
gnomAD v4.1: 16 of 1,611,944 alleles (0.00099%); highest among the groups gnomAD compares: Non-Finnish European, 0.0014%; no homozygotes.

Submission:

Labcorp Genetics (formerly Invitae), Labcorp
Classification: Uncertain significance for Combined malonic and methylmalonic acidemia. Last evaluated: 2022-07-05. Review status: criteria provided, single submitter. Criteria: Invitae Variant Classification Sherloc (09022015). Collection method: clinical testing. Allele origin: germline.
Comment: This sequence change replaces valine, which is neutral and non-polar, with glutamic acid, which is acidic and polar, at codon 37 of the ACSF3 protein (p.Val37Glu). This variant is present in population databases (rs549664473, gnomAD 0.0009%). This variant has not been reported in the literature in individuals affected with ACSF3-related conditions. Algorithms developed to predict the effect of missense changes on protein structure and function output the following: SIFT: "Tolerated"; PolyPhen-2: "Benign"; Align-GVGD: "Class C0". The glutamic acid amino acid residue is found in multiple mammalian species, which suggests that this missense change does not adversely affect protein function. In summary, the available evidence is currently insufficient to determine the role of this variant in disease. Therefore, it has been classified as a Variant of Uncertain Significance.

NM_001243279.3(ACSF3):c.110T>A (p.Val37Glu)

Gene: ACSF3 (acyl-CoA synthetase family member 3; plus strand). Cytogenetic location: 16q24.3.
Variant type: single nucleotide variant.
Coding change: c.110T>A on transcript NM_001243279.3 (MANE Select); coding-DNA position 110, T replaced by A.
Protein change: p.Val37Glu; replaces valine 37 with glutamic acid.
Molecular consequence: missense variant. On other transcripts: non-coding transcript variant (3), intron variant (1).
Genome position (GRCh38, 1-based): chr16:89,100,791, T>A. VCF-style: chr16-89100791-T-A. GRCh37 (hg19) VCF-style: chr16-89167199-T-A.
Other names: c.110T>A, p.Val37Glu (NM_001127214.4, NM_174917.5); c.-129-1813T>A (NM_001284316.2); short protein forms V37E.
Identifiers: ClinVar variation 1908450 (VCV001908450.2), dbSNP rs549664473, ClinGen allele CA286444610.